The following is an entry in ClinVar:

NM_021625.5(TRPV4):c.710G>T (p.Arg237Leu)

Gene: TRPV4 (transient receptor potential cation channel subfamily V member 4; minus strand). Cytogenetic location: 12q24.11.
Variant type: single nucleotide variant.
Coding change: c.710G>T on transcript NM_021625.5 (MANE Select); coding-DNA position 710, G replaced by T.
Protein change: p.Arg237Leu; replaces arginine 237 with leucine.
Molecular consequence: missense variant.
Genome position (GRCh38, 1-based): chr12:109,802,993, C>A on the plus strand (G>T on the coding strand, the complement: TRPV4 is on the minus strand). VCF-style: chr12-109802993-C-A. GRCh37 (hg19) VCF-style: chr12-110240798-C-A.
Other names: c.710G>T, p.Arg237Leu (NM_001177428.2, NM_001177433.2, NM_147204.3); c.608G>T, p.Arg203Leu (NM_001177431.2); short protein forms R237L, R203L.
Identifiers: ClinVar variation 536862 (VCV000536862.7), dbSNP rs1289139464, ClinGen allele CA386655927.

ClinVar aggregate classification (germline): Likely pathogenic (1 of 4 stars; one submission).

Conditions:
Charcot-Marie-Tooth disease axonal type 2C (HMSN2C). Also called: CHARCOT-MARIE-TOOTH DISEASE, AXONAL, AUTOSOMAL DOMINANT, TYPE 2C; Charcot-Marie-Tooth Neuropathy Type 2C; Charcot-Marie-Tooth Disease Type 2, TRPV4-Related (CMT2C). Identifiers: Orphanet 99937, MedGen C1853710, MONDO:0011633, OMIM 606071.

gnomAD v4.1: 1 of 1,613,884 alleles (0.000062%); highest among the groups gnomAD compares: South Asian, 0.0011%; no homozygotes.

Submission:

Labcorp Genetics (formerly Invitae), Labcorp
Classification: Likely pathogenic for Charcot-Marie-Tooth disease axonal type 2C. Last evaluated: 2025-09-29. Review status: criteria provided, single submitter. Criteria: Invitae Variant Classification Sherloc (09022015). Collection method: clinical testing. Allele origin: germline.
Comment: This sequence change replaces arginine, which is basic and polar, with leucine, which is neutral and non-polar, at codon 237 of the TRPV4 protein (p.Arg237Leu). This variant is not present in population databases (gnomAD no frequency). This missense change has been observed in individual(s) with clinical features of Charcot-Marie-Tooth disease (PMID: 27066566; internal data). It has also been observed to segregate with disease in related individuals. ClinVar contains an entry for this variant (Variation ID: 536862). An algorithm developed to predict the effect of missense changes on protein structure and function (PolyPhen-2) suggests that this variant is likely to be disruptive. Experimental studies have shown that this missense change affects TRPV4 function (PMID: 27066566, 33664271). This variant disrupts the p.Arg237 amino acid residue in TRPV4. Other variant(s) that disrupt this residue have been determined to be pathogenic (PMID: 27066566; internal data). This suggests that this residue is clinically significant, and that variants that disrupt this residue are likely to be disease-causing. In summary, the currently available evidence indicates that the variant is pathogenic, but additional data are needed to prove that conclusively. Therefore, this variant has been classified as Likely Pathogenic.

Literature cited by the submitters: PubMed 27066566; PubMed 33664271.